The following is an entry in ClinVar:

NM_032119.4(ADGRV1):c.582del (p.Asp195fs)

Gene: ADGRV1 (adhesion G protein-coupled receptor V1; plus strand). Cytogenetic location: 5q14.3.
Variant type: Deletion.
Coding change: c.582del on transcript NM_032119.4 (MANE Select); coding-DNA position 582, one base deleted (T; older notation c.582delT).
Protein change: p.Asp195fs; shifts the reading frame from aspartic acid 195.
Molecular consequence: frameshift variant. On other transcripts: non-coding transcript variant (1).
Genome position (GRCh38, 1-based): chr5:90,625,153, T deleted. VCF-style (leftmost placement, unchanged base first): chr5-90625152-CT-C. GRCh37 (hg19) VCF-style: chr5-89920969-CT-C.
Other names: short protein forms D195fs.
Identifiers: ClinVar variation 3014150 (VCV003014150.4), dbSNP rs2531785573, ClinGen allele CA2578358508.

ClinVar aggregate classification (germline): Pathogenic/Likely pathogenic. Review status: criteria provided, multiple submitters, no conflicts (2 of 4 stars). 2 submissions from 2 submitters: Pathogenic (1); Likely pathogenic (1). Last evaluated 2024-11-18.

Conditions:
Febrile seizures, familial, 4 (FEB4). Also called: CONVULSIONS, FAMILIAL FEBRILE, 4. Identifiers: MedGen C1858493, MONDO:0011443, OMIM 604352.
Usher syndrome type 2C. Also called: USHER SYNDROME, TYPE IIC; Usher syndrome, type 2B. Identifiers: Orphanet 231178, Orphanet 886, MedGen C2931213, MONDO:0011558, OMIM 605472.

Allele frequency attached by ClinVar (database versions not stated): gnomAD exomes below 0.00001.

Submissions (2):

Labcorp Genetics (formerly Invitae), Labcorp
Classification: Pathogenic. Last evaluated: 2024-11-18. Review status: criteria provided, single submitter. Criteria: Invitae Variant Classification Sherloc (09022015). Collection method: clinical testing. Allele origin: germline.
Comment: This sequence change creates a premature translational stop signal (p.Asp195Metfs*4) in the ADGRV1 gene. It is expected to result in an absent or disrupted protein product. Loss-of-function variants in ADGRV1 are known to be pathogenic (PMID: 19357117, 22135276, 22147658, 26226137, 30718709, 31047384, 32467589). This variant is not present in population databases (gnomAD no frequency). This variant has not been reported in the literature in individuals affected with ADGRV1-related conditions. ClinVar contains an entry for this variant (Variation ID: 3014150). For these reasons, this variant has been classified as Pathogenic.

Fulgent Genetics
Classification: Likely pathogenic for Febrile seizures, familial, 4; Usher syndrome type 2C. Last evaluated: 2024-01-19. Review status: criteria provided, single submitter. Criteria: ACMG Guidelines, 2015. Collection method: clinical testing. Allele origin: germline.

Literature cited by the submitters: PubMed 19357117 (cited by Labcorp Genetics (formerly Invitae), Labcorp); PubMed 22135276 (cited by Labcorp Genetics (formerly Invitae), Labcorp); PubMed 22147658 (cited by Labcorp Genetics (formerly Invitae), Labcorp); PubMed 26226137 (cited by Labcorp Genetics (formerly Invitae), Labcorp); PubMed 30718709 (cited by Labcorp Genetics (formerly Invitae), Labcorp); PubMed 31047384 (cited by Labcorp Genetics (formerly Invitae), Labcorp); PubMed 32467589 (cited by Labcorp Genetics (formerly Invitae), Labcorp).